The following is an entry in ClinVar:

ClinVar aggregate classification (germline): Uncertain significance. Review status: criteria provided, multiple submitters, no conflicts (2 of 4 stars). 2 submissions from 2 submitters: Uncertain significance (2). Last evaluated 2024-04-23.

Allele frequency attached by ClinVar (database versions not stated): gnomAD 0.00001 and 0.00002; gnomAD exomes 0.00001; ExAC 0.00002; TOPMed 0.00002; ESP Exome Variant Server 0.00008.

Submissions (2):

Ambry Genetics
Classification: Uncertain significance. Last evaluated: 2024-04-23. Review status: criteria provided, single submitter. Criteria: Ambry Variant Classification Scheme 2023. Collection method: clinical testing. Allele origin: germline.

Labcorp Genetics (formerly Invitae), Labcorp
Classification: Uncertain significance. Last evaluated: 2022-07-19. Review status: criteria provided, single submitter. Criteria: Invitae Variant Classification Sherloc (09022015). Collection method: clinical testing. Allele origin: germline.
Comment: This variant has not been reported in the literature in individuals affected with LIG1-related conditions. In summary, the available evidence is currently insufficient to determine the role of this variant in disease. Therefore, it has been classified as a Variant of Uncertain Significance. Algorithms developed to predict the effect of missense changes on protein structure and function output the following: SIFT: "Tolerated"; PolyPhen-2: "Benign"; Align-GVGD: "Class C0". The methionine amino acid residue is found in multiple mammalian species, which suggests that this missense change does not adversely affect protein function. ClinVar contains an entry for this variant (Variation ID: 1412219). This variant is present in population databases (rs373413673, gnomAD 0.003%). This sequence change replaces threonine, which is neutral and polar, with methionine, which is neutral and non-polar, at codon 197 of the LIG1 protein (p.Thr197Met).

NM_000234.3(LIG1):c.590C>T (p.Thr197Met)

Gene: LIG1 (DNA ligase 1; minus strand). Cytogenetic location: 19q13.33.
Variant type: single nucleotide variant.
Coding change: c.590C>T on transcript NM_000234.3 (MANE Select); coding-DNA position 590, C replaced by T.
Protein change: p.Thr197Met; replaces threonine 197 with methionine.
Molecular consequence: missense variant. On other transcripts: non-coding transcript variant (6).
Genome position (GRCh38, 1-based): chr19:48,150,195, G>A on the plus strand (C>T on the coding strand, the complement: LIG1 is on the minus strand). VCF-style: chr19-48150195-G-A. GRCh37 (hg19) VCF-style: chr19-48653452-G-A.
Other names: c.497C>T, p.Thr166Met (NM_001289063.2); c.386C>T, p.Thr129Met (NM_001289064.2); c.587C>T, p.Thr196Met (NM_001320970.2); c.500C>T, p.Thr167Met (NM_001320971.2); c.590C>T (NM_000234.1); short protein forms T196M, T197M, T129M, T166M, T167M.
Identifiers: ClinVar variation 1412219 (VCV001412219.5), dbSNP rs373413673, ClinGen allele CA9547202.